The following is an entry in ClinVar:

ClinVar aggregate classification (germline): Benign/Likely benign. Review status: criteria provided, multiple submitters, no conflicts (2 of 4 stars). 6 submissions from 6 submitters: Benign (2); Likely benign (1). 3 of the submissions do not count toward it. Last evaluated 2026-01-26.

Conditions:
Epidermodysplasia verruciformis. Identifiers: Orphanet 302, MedGen C0014522, MONDO:0009176.
TMC6-related disorder. Also called: TMC6-related condition.

Allele frequency attached by ClinVar (database versions not stated): gnomAD exomes 0.00045 and 0.00107; ExAC 0.00156; 1000 Genomes Project 0.00240; 1000 Genomes Project 30x 0.00265; ESP Exome Variant Server 0.00339; gnomAD 0.00394 and 0.00430; TOPMed 0.00432.
gnomAD v4.1: 1,285 of 1,602,770 alleles (0.08%); highest among the groups gnomAD compares: African/African-American, 1.4%; 12 homozygotes.

Submissions (6):

Labcorp Genetics (formerly Invitae), Labcorp
Classification: Benign for Epidermodysplasia verruciformis. Last evaluated: 2026-01-26. Review status: criteria provided, single submitter. Criteria: Invitae Variant Classification Sherloc (09022015). Collection method: clinical testing. Allele origin: germline.

Blueprint Genetics
Classification: Likely benign. Last evaluated: 2024-10-25. Review status: criteria provided, single submitter. Criteria: ACMG Guidelines, 2015. Collection method: clinical testing. Allele origin: germline.

Breakthrough Genomics
Classification: Benign. Review status: criteria provided, single submitter. Criteria: ACMG Guidelines, 2015. Collection method: not provided. Allele origin: germline. Inheritance: Autosomal recessive inheritance. Affected: yes.

PreventionGenetics, part of Exact Sciences
Classification: Benign for TMC6-related condition. Last evaluated: 2024-01-19. Review status: no assertion criteria provided. Collection method: clinical testing. Allele origin: germline. Not counted in ClinVar's aggregate classification.
Comment: This variant is classified as benign based on ACMG/AMP sequence variant interpretation guidelines (Richards et al. 2015 PMID: 25741868, with internal and published modifications).

Clinical Genetics DNA and cytogenetics Diagnostics Lab, Erasmus MC, Erasmus Medical Center
Classification: Benign. Review status: no assertion criteria provided. Collection method: clinical testing. Allele origin: germline. Affected: yes. Study: VKGL Data-share Consensus. Not counted in ClinVar's aggregate classification.

Genome Diagnostics Laboratory, University Medical Center Utrecht
Classification: Likely benign. Review status: no assertion criteria provided. Collection method: clinical testing. Allele origin: germline. Affected: yes. Study: VKGL Data-share Consensus. Not counted in ClinVar's aggregate classification.

NM_001127198.5(TMC6):c.1276G>A (p.Gly426Arg)

Gene: TMC6 (transmembrane channel like 6; minus strand). Cytogenetic location: 17q25.3.
Variant type: single nucleotide variant.
Coding change: c.1276G>A on transcript NM_001127198.5 (MANE Select); coding-DNA position 1276, G replaced by A.
Protein change: p.Gly426Arg; replaces glycine 426 with arginine.
Molecular consequence: missense variant. On other transcripts: non-coding transcript variant (4).
Genome position (GRCh38, 1-based): chr17:78,121,663, C>T on the plus strand (G>A on the coding strand, the complement: TMC6 is on the minus strand). VCF-style: chr17-78121663-C-T. GRCh37 (hg19) VCF-style: chr17-76117744-C-T.
Other names: c.1276G>A, p.Gly426Arg (NM_001321185.1, NM_001374593.1, NM_001374594.1 and 4 more transcripts); short protein forms G426R.
Identifiers: ClinVar variation 456006 (VCV000456006.18), dbSNP rs61744921, ClinGen allele CA8795795.